The following is an entry in ClinVar:

NM_024301.5(FKRP):c.319G>T (p.Ala107Ser)

Gene: FKRP (fukutin related protein; plus strand). Cytogenetic location: 19q13.32.
Variant type: single nucleotide variant.
Coding change: c.319G>T on transcript NM_024301.5 (MANE Select); coding-DNA position 319, G replaced by T.
Protein change: p.Ala107Ser; replaces alanine 107 with serine.
Molecular consequence: missense variant.
Genome position (GRCh38, 1-based): chr19:46,755,769, G>T. VCF-style: chr19-46755769-G-T. GRCh37 (hg19) VCF-style: chr19-47259026-G-T.
Other names: c.319G>T, p.Ala107Ser (NM_001039885.3); c.319G>T (NM_024301.4); short protein forms A107S.
Identifiers: ClinVar variation 290217 (VCV000290217.9), dbSNP rs750679682, ClinGen allele CA9532142.

ClinVar aggregate classification (germline): Uncertain significance. Review status: criteria provided, multiple submitters, no conflicts (2 of 4 stars). 5 submissions from 5 submitters: Uncertain significance (4). 1 of the submissions does not count toward it. Last evaluated 2024-09-05.

Conditions:
Autosomal recessive limb-girdle muscular dystrophy type 2I. Also called: MUSCULAR DYSTROPHY-DYSTROGLYCANOPATHY (LIMB-GIRDLE), TYPE C, 5; MUSCULAR DYSTROPHY, LIMB-GIRDLE, TYPE 2I; MUSCULAR DYSTROPHY-DYSTROGLYCANOPATHY, LIMB-GIRDLE, FRKP-RELATED. Identifiers: Orphanet 34515, MedGen C1846672, MONDO:0011787, OMIM 607155.
Walker-Warburg congenital muscular dystrophy. Also called: Muscular dystrophy-dystroglycanopathy, type A; Walker-Warburg syndrome. Identifiers: Orphanet 899, MedGen C0265221, MONDO:0000171.
Cardiovascular phenotype. Identifiers: MedGen CN230736.

Allele frequency attached by ClinVar (database versions not stated): gnomAD exomes 0.00001; TOPMed 0.00001; ExAC 0.00007.
gnomAD v4.1: 17 of 1,534,200 alleles (0.0011%); highest among the groups gnomAD compares: South Asian, 0.018%; no homozygotes.

Submissions (5):

Ambry Genetics
Classification: Uncertain significance for Cardiovascular phenotype. Last evaluated: 2024-09-05. Review status: criteria provided, single submitter. Criteria: Ambry Variant Classification Scheme 2023. Collection method: clinical testing. Allele origin: germline.

Revvity Omics, Revvity
Classification: Uncertain significance. Last evaluated: 2023-10-27. Review status: criteria provided, single submitter. Criteria: ACMG Guidelines, 2015. Collection method: clinical testing. Allele origin: germline.

Labcorp Genetics (formerly Invitae), Labcorp
Classification: Uncertain significance for Walker-Warburg congenital muscular dystrophy. Last evaluated: 2022-08-05. Review status: criteria provided, single submitter. Criteria: Invitae Variant Classification Sherloc (09022015). Collection method: clinical testing. Allele origin: germline.
Comment: This sequence change replaces alanine, which is neutral and non-polar, with serine, which is neutral and polar, at codon 107 of the FKRP protein (p.Ala107Ser). The frequency data for this variant in the population databases is considered unreliable, as metrics indicate poor data quality at this position in the gnomAD database. This variant has not been reported in the literature in individuals affected with FKRP-related conditions. ClinVar contains an entry for this variant (Variation ID: 290217). Algorithms developed to predict the effect of missense changes on protein structure and function (SIFT, PolyPhen-2, Align-GVGD) all suggest that this variant is likely to be tolerated. In summary, the available evidence is currently insufficient to determine the role of this variant in disease. Therefore, it has been classified as a Variant of Uncertain Significance.

Eurofins Ntd Llc (ga)
Classification: Uncertain significance. Last evaluated: 2017-05-04. Review status: criteria provided, single submitter. Criteria: EGL Classification Definitions 2015. Collection method: clinical testing. Allele origin: germline. Observed: 2 variant alleles, 2 heterozygotes.

Natera, Inc.
Classification: Uncertain significance for Limb-girdle muscular dystrophy type 2I. Last evaluated: 2020-01-17. Review status: no assertion criteria provided. Collection method: clinical testing. Allele origin: germline. Not counted in ClinVar's aggregate classification.